The following is an entry in ClinVar:

ClinVar aggregate classification (germline): Uncertain significance (1 of 4 stars; one submission).

Submission:

Labcorp Genetics (formerly Invitae), Labcorp
Classification: Uncertain significance. Last evaluated: 2022-05-24. Review status: criteria provided, single submitter. Criteria: Invitae Variant Classification Sherloc (09022015). Collection method: clinical testing. Allele origin: germline.
Comment: In summary, the available evidence is currently insufficient to determine the role of this variant in disease. Therefore, it has been classified as a Variant of Uncertain Significance. Algorithms developed to predict the effect of missense changes on protein structure and function (SIFT, PolyPhen-2, Align-GVGD) all suggest that this variant is likely to be tolerated. This variant has not been reported in the literature in individuals affected with MTTP-related conditions. This variant is not present in population databases (gnomAD no frequency). This sequence change replaces threonine, which is neutral and polar, with isoleucine, which is neutral and non-polar, at codon 218 of the MTTP protein (p.Thr218Ile).

NM_001386140.1(MTTP):c.653C>T (p.Thr218Ile)

Gene: MTTP (microsomal triglyceride transfer protein; plus strand). Cytogenetic location: 4q23.
Variant type: single nucleotide variant.
Coding change: c.653C>T on transcript NM_001386140.1 (MANE Select); coding-DNA position 653, C replaced by T.
Protein change: p.Thr218Ile; replaces threonine 218 with isoleucine.
Molecular consequence: missense variant.
Genome position (GRCh38, 1-based): chr4:99,591,685, C>T. VCF-style: chr4-99591685-C-T. GRCh37 (hg19) VCF-style: chr4-100512842-C-T.
Other names: c.653C>T, p.Thr218Ile (NM_000253.4); c.404C>T, p.Thr135Ile (NM_001300785.2); short protein forms T218I, T135I.
Identifiers: ClinVar variation 1988332 (VCV001988332.4), dbSNP rs2476107575, ClinGen allele CA357505023.